The following is an entry in ClinVar:

ClinVar aggregate classification (germline): Uncertain significance (1 of 4 stars; one submission).

Submission:

Labcorp Genetics (formerly Invitae), Labcorp
Classification: Uncertain significance. Last evaluated: 2023-06-17. Review status: criteria provided, single submitter. Criteria: Invitae Variant Classification Sherloc (09022015). Collection method: clinical testing. Allele origin: germline.
Comment: This sequence change replaces serine, which is neutral and polar, with arginine, which is basic and polar, at codon 278 of the TUBB2A protein (p.Ser278Arg). This variant is not present in population databases (gnomAD no frequency). This variant has not been reported in the literature in individuals affected with TUBB2A-related conditions. Advanced modeling of protein sequence and biophysical properties (such as structural, functional, and spatial information, amino acid conservation, physicochemical variation, residue mobility, and thermodynamic stability) performed at Invitae indicates that this missense variant is expected to disrupt TUBB2A protein function. In summary, the available evidence is currently insufficient to determine the role of this variant in disease. Therefore, it has been classified as a Variant of Uncertain Significance.

NM_001069.3(TUBB2A):c.834C>G (p.Ser278Arg)

Gene: TUBB2A (tubulin beta 2A class IIa; minus strand). Cytogenetic location: 6p25.2.
Variant type: single nucleotide variant.
Coding change: c.834C>G on transcript NM_001069.3 (MANE Select); coding-DNA position 834, C replaced by G.
Protein change: p.Ser278Arg; replaces serine 278 with arginine.
Molecular consequence: missense variant.
Genome position (GRCh38, 1-based): chr6:3,154,367, G>C on the plus strand (C>G on the coding strand, the complement: TUBB2A is on the minus strand). VCF-style: chr6-3154367-G-C. GRCh37 (hg19) VCF-style: chr6-3154601-G-C.
Other names: c.579C>G, p.Ser193Arg (NM_001310315.2); short protein forms S278R, S193R.
Identifiers: ClinVar variation 2769616 (VCV002769616.3), dbSNP rs2533524272, ClinGen allele CA362591860.
Genomic context (GRCh38, chr6:3,154,367, plus strand): 5'-GTTCTTGGAGTCGAACATCTGCTGGGTGAGCTCGGGCACCGTGAGCGCCCGGTACTGCTG[G>C]CTGCCCCGGCTGGTCAGGGGCGCGAAGCCGGGCATGAAGAAGTGCAGGCGAGGGAAGGGC-3'
Protein context (NP_001060.1, residues 268-288): PGFAPLTSRG[Ser278Arg]QQYRALTVPE